The following is an entry in ClinVar:

NM_000245.4(MET):c.689C>A (p.Thr230Lys)

Gene: MET (MET proto-oncogene, receptor tyrosine kinase; plus strand). Cytogenetic location: 7q31.2.
Variant type: single nucleotide variant.
Coding change: c.689C>A on transcript NM_000245.4 (MANE Select); coding-DNA position 689, C replaced by A.
Protein change: p.Thr230Lys; replaces threonine 230 with lysine.
Molecular consequence: missense variant. On other transcripts: intron variant (1).
Genome position (GRCh38, 1-based): chr7:116,699,773, C>A. VCF-style: chr7-116699773-C-A. GRCh37 (hg19) VCF-style: chr7-116339827-C-A.
Other names: c.689C>A, p.Thr230Lys (NM_001127500.3, NM_001324401.3); c.-91+27196C>A (NM_001324402.2); short protein forms T230K.
Identifiers: ClinVar variation 1718056 (VCV001718056.5), dbSNP rs587780740, ClinGen allele CA368969631.

ClinVar aggregate classification (germline): Uncertain significance (1 of 4 stars; one submission).

Conditions:
Renal cell carcinoma. Identifiers: Orphanet 217071, MedGen C0007134, MeSH D002292, MONDO:0005086, HP:0005584.

gnomAD v4.1: 1 of 1,614,094 alleles (0.000062%); no homozygotes.

Submission:

Labcorp Genetics (formerly Invitae), Labcorp
Classification: Uncertain significance for Renal cell carcinoma. Last evaluated: 2022-08-26. Review status: criteria provided, single submitter. Criteria: Invitae Variant Classification Sherloc (09022015). Collection method: clinical testing. Allele origin: germline.
Comment: This sequence change replaces threonine, which is neutral and polar, with lysine, which is basic and polar, at codon 230 of the MET protein (p.Thr230Lys). This variant is present in population databases (no rsID available, gnomAD 0.004%). In summary, the available evidence is currently insufficient to determine the role of this variant in disease. Therefore, it has been classified as a Variant of Uncertain Significance. Algorithms developed to predict the effect of missense changes on protein structure and function are either unavailable or do not agree on the potential impact of this missense change (SIFT: "Deleterious"; PolyPhen-2: "Probably Damaging"; Align-GVGD: "Class C0"). This variant has not been reported in the literature in individuals affected with MET-related conditions.